The following is an entry in ClinVar:

NM_004958.4(MTOR):c.5387T>A (p.Met1796Lys)

Gene: MTOR (mechanistic target of rapamycin kinase; minus strand). Cytogenetic location: 1p36.22.
Variant type: single nucleotide variant.
Coding change: c.5387T>A on transcript NM_004958.4 (MANE Select); coding-DNA position 5387, T replaced by A.
Protein change: p.Met1796Lys; replaces methionine 1796 with lysine.
Molecular consequence: missense variant.
Genome position (GRCh38, 1-based): chr1:11,130,755, A>T on the plus strand (T>A on the coding strand, the complement: MTOR is on the minus strand). VCF-style: chr1-11130755-A-T. GRCh37 (hg19) VCF-style: chr1-11190812-A-T.
Other names: c.5387T>A, p.Met1796Lys (NM_001386500.1); c.4139T>A, p.Met1380Lys (NM_001386501.1); short protein forms M1380K, M1796K.
Identifiers: ClinVar variation 4834095 (VCV004834095.1).
Genomic context (GRCh38, chr1:11,130,755, plus strand): 5'-TTCTTCTTCTCATCGCGGGCTTGGTTCTGATGTTTGTAGTGTAGCACAGCTTCGAAGTTC[A>T]TCACTGCCCACGCATGCCAGGCCTGGTTGGGGAGAAAGGCAAGGACAGACACTGGAGCTG-3'
Protein context (NP_004949.1, residues 1786-1806): WYKAWHAWAV[Met1796Lys]NFEAVLHYKH

ClinVar aggregate classification (germline): Uncertain significance (1 of 4 stars; one submission).

Conditions:
Inborn genetic diseases. Identifiers: MedGen C0950123, MeSH D030342.

Submission:

Ambry Genetics
Classification: Uncertain significance for Inborn genetic diseases. Last evaluated: 2026-01-12. Review status: criteria provided, single submitter. Criteria: Ambry Variant Classification Scheme 2023. Collection method: clinical testing. Allele origin: germline.
Comment: The c.5387T>A (p.M1796K) alteration is located in exon 39 (coding exon 38) of the MTOR gene. This alteration results from a T to A substitution at nucleotide position 5387, causing the methionine (M) at amino acid position 1796 to be replaced by a lysine (K). This variant was not reported in population-based cohorts in the Genome Aggregation Database (gnomAD). This amino acid position is highly conserved in available vertebrate species. This alteration is predicted to be deleterious by in silico analysis. Based on insufficient or conflicting evidence, the clinical significance of this alteration remains unclear.